The following is an entry in ClinVar:

ClinVar aggregate classification (germline): Pathogenic/Likely pathogenic. Review status: criteria provided, multiple submitters, no conflicts (2 of 4 stars). 7 submissions from 6 submitters: Pathogenic (3); Likely pathogenic (3). 1 of the submissions does not count toward it. Last evaluated 2025-06-12.

Conditions:
Pontocerebellar hypoplasia type 9. Identifiers: Orphanet 369920, MedGen C4014354, MONDO:0014351, OMIM 615809.
Hereditary spastic paraplegia 63. Also called: Spastic paraplegia 63, autosomal recessive. Identifiers: Orphanet 401805, MedGen C3810295, MONDO:0014305, OMIM 615686.
Pontoneocerebellar hypoplasia. Also called: Pontocerebellar hypoplasia; Non-syndromic pontocerebellar hypoplasia. Identifiers: Orphanet 98523, MedGen C1261175, MONDO:0020135.

Allele frequency attached by ClinVar (database versions not stated): TOPMed below 0.00001; gnomAD 0.00001.
gnomAD v4.1: 15 of 1,613,200 alleles (0.00093%); highest among the groups gnomAD compares: Non-Finnish European, 0.0012%; no homozygotes.

Submissions (7):

Women's Health and Genetics/Laboratory Corporation of America, LabCorp
Classification: Pathogenic for Pontoneocerebellar hypoplasia. Last evaluated: 2025-06-12. Review status: criteria provided, single submitter. Criteria: LabCorp Variant Classification Summary - May 2015. Collection method: clinical testing. Allele origin: germline.
Comment: Variant summary: AMPD2 c.1859G>A (p.Arg620His) results in a non-conservative amino acid change in the encoded protein sequence. Algorithms developed to predict the effect of missense changes on protein structure and function are either unavailable or do not agree on the potential impact of this missense change. The variant allele was found at a frequency of 2e-05 in 250744 control chromosomes. c.1859G>A has been observed in the homozygous state in 2 related individual(s) affected with Pontocerebellar Hypoplasia, Type 9 (example, Akizu_2013), including at least 1 family where it segregated with disease. These data indicate that the variant is likely to be associated with disease. The variant is associated with undetectable levels of protein in patient cells (example, Akizu_2013). The following publications have been ascertained in the context of this evaluation (PMID: 23911318, 30239619, 28815207, 28168832, 34826127, 27066553, 38397227, 29463858, 31130284, 36445597).ClinVar contains an entry for this variant (Variation ID: 132813). Based on the evidence outlined above, the variant was classified as pathogenic.

Genomic Medicine Center of Excellence, King Faisal Specialist Hospital and Research Centre
Classification: Pathogenic for Pontocerebellar hypoplasia type 9. Last evaluated: 2024-03-14. Review status: criteria provided, single submitter. Criteria: ACMG Guidelines, 2015. Collection method: research. Allele origin: germline.

Labcorp Genetics (formerly Invitae), Labcorp
Classification: Likely pathogenic for Pontocerebellar hypoplasia type 9; Hereditary spastic paraplegia 63. Last evaluated: 2023-06-29. Review status: criteria provided, single submitter. Criteria: Invitae Variant Classification Sherloc (09022015). Collection method: clinical testing. Allele origin: germline.
Comment: In summary, the currently available evidence indicates that the variant is pathogenic, but additional data are needed to prove that conclusively. Therefore, this variant has been classified as Likely Pathogenic. Experimental studies have shown that this missense change affects AMPD2 function (PMID: 23911318). An algorithm developed to predict the effect of missense changes on protein structure and function (PolyPhen-2) suggests that this variant is likely to be disruptive. ClinVar contains an entry for this variant (Variation ID: 132813). This variant is also known as NM_203404.1:c.1664G>A (p.Arg555His). This missense change has been observed in individuals with pontocerebellar hypoplasia (PMID: 23911318, 31130284). It has also been observed to segregate with disease in related individuals. This variant is present in population databases (rs587777395, gnomAD 0.005%). This sequence change replaces arginine, which is basic and polar, with histidine, which is basic and polar, at codon 674 of the AMPD2 protein (p.Arg674His).

Genome-Nilou Lab
Classification: Likely pathogenic for Hereditary spastic paraplegia 63. Last evaluated: 2023-04-11. Review status: criteria provided, single submitter. Criteria: ACMG Guidelines, 2015. Collection method: clinical testing. Allele origin: germline. Affected: no.

Genome-Nilou Lab
Classification: Likely pathogenic for Pontocerebellar hypoplasia type 9. Last evaluated: 2023-04-11. Review status: criteria provided, single submitter. Criteria: ACMG Guidelines, 2015. Collection method: clinical testing. Allele origin: germline. Affected: no.

Baylor Genetics
Classification: Pathogenic for Pontocerebellar hypoplasia type 9. Last evaluated: 2022-02-21. Review status: criteria provided, single submitter. Criteria: ACMG Guidelines, 2015. Collection method: clinical testing. Allele origin: unknown.

OMIM
Classification: Pathogenic for PONTOCEREBELLAR HYPOPLASIA, TYPE 9. Last evaluated: 2013-08-01. Review status: no assertion criteria provided. Collection method: literature only. Allele origin: germline. Not counted in ClinVar's aggregate classification.

Literature cited by the submitters: PubMed 31130284 (cited by Women's Health and Genetics/Laboratory Corporation of America, LabCorp and Labcorp Genetics (formerly Invitae), Labcorp); PubMed 34826127 (cited by Women's Health and Genetics/Laboratory Corporation of America, LabCorp); PubMed 29463858 (cited by Women's Health and Genetics/Laboratory Corporation of America, LabCorp); PubMed 36445597 (cited by Women's Health and Genetics/Laboratory Corporation of America, LabCorp); PubMed 38397227 (cited by Women's Health and Genetics/Laboratory Corporation of America, LabCorp); PubMed 27066553 (cited by Women's Health and Genetics/Laboratory Corporation of America, LabCorp); PubMed 28168832 (cited by Women's Health and Genetics/Laboratory Corporation of America, LabCorp); PubMed 28815207 (cited by Women's Health and Genetics/Laboratory Corporation of America, LabCorp); PubMed 30239619 (cited by Women's Health and Genetics/Laboratory Corporation of America, LabCorp); PubMed 23911318 (cited by 3 submitters).

NM_001368809.2(AMPD2):c.1859G>A (p.Arg620His)

Gene: AMPD2 (adenosine monophosphate deaminase 2; plus strand). Cytogenetic location: 1p13.3.
Variant type: single nucleotide variant.
Coding change: c.1859G>A on transcript NM_001368809.2 (MANE Select); coding-DNA position 1859, G replaced by A.
Protein change: p.Arg620His; replaces arginine 620 with histidine.
Molecular consequence: missense variant.
Genome position (GRCh38, 1-based): chr1:109,629,487, G>A. VCF-style: chr1-109629487-G-A. GRCh37 (hg19) VCF-style: chr1-110172109-G-A.
Other names: R674H; c.2021G>A (NM_001257360.1); c.1667G>A, p.Arg556His (NM_001257361.2); c.1796G>A, p.Arg599His (NM_001308170.1); c.1859G>A, p.Arg620His (NM_004037.9); c.1778G>A, p.Arg593His (NM_139156.4); short protein forms R556H, R593H, R599H, R620H.
Identifiers: ClinVar variation 132813 (VCV000132813.11), dbSNP rs587777395, ClinGen allele CA156218.